The following is an entry in ClinVar:

ClinVar aggregate classification (germline): Uncertain significance (1 of 4 stars; one submission).

gnomAD v4.1: 6 of 1,614,074 alleles (0.00037%); highest among the groups gnomAD compares: Middle Eastern, 0.033%; no homozygotes.

Submission:

Labcorp Genetics (formerly Invitae), Labcorp
Classification: Uncertain significance. Last evaluated: 2025-02-10. Review status: criteria provided, single submitter. Criteria: Invitae Variant Classification Sherloc (09022015). Collection method: clinical testing. Allele origin: germline.
Comment: This sequence change replaces serine, which is neutral and polar, with asparagine, which is neutral and polar, at codon 505 of the CDK13 protein (p.Ser505Asn). This variant is present in population databases (no rsID available, gnomAD 0.006%). This variant has not been reported in the literature in individuals affected with CDK13-related conditions. ClinVar contains an entry for this variant (Variation ID: 2098017). Invitae Evidence Modeling of protein sequence and biophysical properties (such as structural, functional, and spatial information, amino acid conservation, physicochemical variation, residue mobility, and thermodynamic stability) indicates that this missense variant is not expected to disrupt CDK13 protein function with a negative predictive value of 95%. In summary, the available evidence is currently insufficient to determine the role of this variant in disease. Therefore, it has been classified as a Variant of Uncertain Significance.

NM_003718.5(CDK13):c.1514G>A (p.Ser505Asn)

Gene: CDK13 (cyclin dependent kinase 13; plus strand). Cytogenetic location: 7p14.1.
Variant type: single nucleotide variant.
Coding change: c.1514G>A on transcript NM_003718.5 (MANE Select); coding-DNA position 1514, G replaced by A.
Protein change: p.Ser505Asn; replaces serine 505 with asparagine.
Molecular consequence: missense variant.
Genome position (GRCh38, 1-based): chr7:39,987,901, G>A. VCF-style: chr7-39987901-G-A. GRCh37 (hg19) VCF-style: chr7-40027500-G-A.
Other names: c.1514G>A, p.Ser505Asn (NM_031267.4); short protein forms S505N.
Identifiers: ClinVar variation 2098017 (VCV002098017.4), dbSNP rs778059575, ClinGen allele CA367282670.
Genomic context (GRCh38, chr7:39,987,901, plus strand): 5'-AGGCTGCAAAAGCTTCAAACACTTCTACACCTACCAAGGGGAACACGGAAACTAGTGCCA[G>A]TGCATCACAAACAAACCATGTGAAGGATGTGAAGAAAATTAAAATTGAACATGCACCTTC-3'
Protein context (NP_003709.3, residues 495-515): PTKGNTETSA[Ser505Asn]ASQTNHVKDV